The following is an entry in ClinVar:

NM_001367943.1(TCF7L2):c.1144C>T (p.Gln382Ter)

Gene: TCF7L2 (transcription factor 7 like 2; plus strand). Cytogenetic location: 10q25.3.
Variant type: single nucleotide variant.
Coding change: c.1144C>T on transcript NM_001367943.1 (MANE Select); coding-DNA position 1144, C replaced by T.
Protein change: p.Gln382Ter; replaces glutamine 382 with a stop codon.
Molecular consequence: nonsense.
Genome position (GRCh38, 1-based): chr10:113,151,867, C>T. VCF-style: chr10-113151867-C-T. GRCh37 (hg19) VCF-style: chr10-114911626-C-T.
Other names: c.1144C>T, p.Gln382Ter (NM_001146274.2, NM_001198531.2, NM_001363501.2); c.1216C>T, p.Gln406Ter (NM_001146283.2); c.1063C>T, p.Gln355Ter (NM_001146284.2, NM_001198527.2); c.1075C>T, p.Gln359Ter (NM_001146285.2, NM_001146286.2, NM_001198526.2 and 3 more transcripts); c.1090C>T, p.Gln364Ter (NM_001198525.2); c.973C>T, p.Gln325Ter (NM_001198530.2); c.715C>T, p.Gln239Ter (NM_001349870.2); c.595C>T, p.Gln199Ter (NM_001349871.1); short protein forms Q199*, Q239*, Q325*, Q355*, Q359*, Q364*, Q382*, Q406*.
Identifiers: ClinVar variation 2499565 (VCV002499565.3), dbSNP rs2137155220, ClinGen allele CA378409281.

ClinVar aggregate classification (germline): Pathogenic. Review status: criteria provided, multiple submitters, no conflicts (2 of 4 stars). 2 submissions from 2 submitters: Pathogenic (2). Last evaluated 2023-12-04.

Conditions:
Autism (AUTS). Also called: Autistic disorder; Autistic disorder of childhood onset. Identifiers: MedGen C0004352, MeSH D001321, MONDO:0005260, OMIM 209850, HP:0000717.

Submissions (2):

GeneDx
Classification: Pathogenic. Last evaluated: 2023-12-04. Review status: criteria provided, single submitter. Criteria: GeneDx Variant Classification Process June 2021. Collection method: clinical testing. Allele origin: germline. Affected: yes.
Comment: Nonsense variant predicted to result in protein truncation or nonsense mediated decay in a gene for which loss of function is a known mechanism of disease; Not observed at significant frequency in large population cohorts (gnomAD); Also known c.1144C>T p.Gln382* due to alternate nomenclature; This variant is associated with the following publications: (PMID: 34003604)

Duke University Health System Sequencing Clinic, Duke University Health System
Classification: Pathogenic for Autism. Last evaluated: 2023-04-20. Review status: criteria provided, single submitter. Criteria: ACMG Guidelines, 2015. Collection method: research. Allele origin: de novo. Affected: yes.

Literature cited by the submitters: PubMed 34003604 (cited by Duke University Health System Sequencing Clinic, Duke University Health System).